The following is an entry in ClinVar:

NM_002439.5(MSH3):c.1412_1420delinsGGTAATATACATCACATTCAAGATAATGTTTGCTTCTTTTATTAATTTTTTTTTTTAATTTGAGACGATGTTTCACTCTTGCTCAGGCTGGAGTGCAGTGGTGTGATCACAGCTCATTGCAGCCTTGACTCCCTGGGCTCAAGTGATCCTCCCACCTCAGCCTTCCAAGTAGCTGGGACTACAGGCATGTGCTACCGTGCCTGGCTAATTTTTGTATTTTTTGTAGAGAGAGCCATGTTGCCCAGGCTGGTCTTAAACTCCTGAGCTCAGGCAGTCCTCCTGCCTCGGCCTCCCAAAGTGCTGGGATTACAGGCATTAAGCCACCGTGCCCGGCCAGCGTTTCCTTCTGGAAATCGTAGAGGGATGTGATT (p.Ala471_Glu474delinsGlyTer)

Gene: MSH3 (mutS homolog 3; plus strand). Cytogenetic location: 5q14.1.
Variant type: Indel.
Coding change: c.1412_1420delinsGGTAATATACATCACATTCAAGATAATGTTTGCTTCTTTTATTAATTTTTTTTTTTAATTTGAGACGATGTTTCACTCTTGCTCAGGCTGGAGTGCAGTGGTGTGATCACAGCTCATTGCAGCCTTGACTCCCTGGGCTCAAGTGATCCTCCCACCTCAGCCTTCCAAGTAGCTGGGACTACAGGCATGTGCTACCGTGCCTGGCTAATTTTTGTATTTTTTGTAGAGAGAGCCATGTTGCCCAGGCTGGTCTTAAACTCCTGAGCTCAGGCAGTCCTCCTGCCTCGGCCTCCCAAAGTGCTGGGATTACAGGCATTAAGCCACCGTGCCCGGCCAGCGTTTCCTTCTGGAAATCGTAGAGGGATGTGATT on transcript NM_002439.5 (MANE Select); coding-DNA positions 1412 to 1420, the reference bases replaced by an inserted sequence.
Protein change: p.Ala471_Glu474delinsGlyTer.
Molecular consequence: nonsense.
Genome position (GRCh38, 1-based): chr5:80,725,524-80,725,532, 9 bases replaced. GRCh37 (hg19): chr5:80,021,343-80,021,351.
Identifiers: ClinVar variation 1070753 (VCV001070753.7), dbSNP rs2112855504, ClinGen allele CA2499217932.

ClinVar aggregate classification (germline): Pathogenic (1 of 4 stars; one submission).

Submission:

Labcorp Genetics (formerly Invitae), Labcorp
Classification: Pathogenic. Last evaluated: 2018-08-16. Review status: criteria provided, single submitter. Criteria: Invitae Variant Classification Sherloc (09022015). Collection method: clinical testing. Allele origin: germline.
Comment: This sequence change creates a premature translational stop signal (p.Ala471Glyfs*2) in the MSH3 gene. It is expected to result in an absent or disrupted protein product. This variant is not present in population databases (ExAC no frequency). This variant has not been reported in the literature in individuals with MSH3-related disease. Loss-of-function variants in MSH3 are known to be pathogenic (PMID: 27476653). For these reasons, this variant has been classified as Pathogenic.

Literature cited by the submitters: PubMed 27476653.